The following is an entry in ClinVar:

NM_000038.6(APC):c.6556A>G (p.Lys2186Glu)

Gene: APC (APC regulator of Wnt signaling pathway; plus strand). Cytogenetic location: 5q22.2.
Variant type: single nucleotide variant.
Coding change: c.6556A>G on transcript NM_000038.6 (MANE Select); coding-DNA position 6556, A replaced by G.
Protein change: p.Lys2186Glu; replaces lysine 2186 with glutamic acid.
Molecular consequence: missense variant.
Genome position (GRCh38, 1-based): chr5:112,842,150, A>G. VCF-style: chr5-112842150-A-G. GRCh37 (hg19) VCF-style: chr5-112177847-A-G.
Other names: c.6556A>G, p.Lys2186Glu (NM_001127510.3, NM_001354895.2); c.6502A>G, p.Lys2168Glu (NM_001127511.3); c.6610A>G, p.Lys2204Glu (NM_001354896.2); c.6586A>G, p.Lys2196Glu (NM_001354897.2); c.6481A>G, p.Lys2161Glu (NM_001354898.2); c.6472A>G, p.Lys2158Glu (NM_001354899.2); c.6433A>G, p.Lys2145Glu (NM_001354900.2); c.6379A>G, p.Lys2127Glu (NM_001354901.2); and 5 more; short protein forms K1903E, K2026E, K2060E, K2085E, K2095E, K2127E, K2145E, K2158E.
Identifiers: ClinVar variation 1171808 (VCV001171808.12), dbSNP rs886059797, ClinGen allele CA16035675.
Genomic context (GRCh38, chr5:112,842,150, plus strand): 5'-CGAATTCTAAAACCAGGGGAGAAAAGTACATTGGAAACTAAAAAGATAGAATCTGAAAGT[A>G]AAGGAATCAAAGGAGGAAAAAAAGTTTATAAAAGTTTGATTACTGGAAAAGTTCGATCTA-3'
Protein context (NP_000029.2, residues 2176-2196): LETKKIESES[Lys2186Glu]GIKGGKKVYK

ClinVar aggregate classification (germline): Uncertain significance. Review status: criteria provided, multiple submitters, no conflicts (2 of 4 stars). 3 submissions from 3 submitters: Uncertain significance (3). Last evaluated 2025-04-04.

Conditions:
Hereditary cancer-predisposing syndrome. Also called: Tumor predisposition; Hereditary neoplastic syndrome; Hereditary Cancer Syndrome; Neoplastic Syndromes, Hereditary. Identifiers: Orphanet 140162, MedGen C0027672, MeSH D009386, MONDO:0015356.
Familial adenomatous polyposis 1 (FAP1). Also called: FAMILIAL ADENOMATOUS POLYPOSIS 1, ATTENUATED; POLYPOSIS, ADENOMATOUS INTESTINAL. Identifiers: MedGen C2713442, MONDO:0021056, OMIM 175100. Disease mechanism: loss of function.

Submissions (3):

Ambry Genetics
Classification: Uncertain significance for Hereditary cancer-predisposing syndrome. Last evaluated: 2025-04-04. Review status: criteria provided, single submitter. Criteria: Ambry Variant Classification Scheme 2023. Collection method: clinical testing. Allele origin: germline.
Comment: The p.K2186E variant (also known as c.6556A>G), located in coding exon 15 of the APC gene, results from an A to G substitution at nucleotide position 6556. The lysine at codon 2186 is replaced by glutamic acid, an amino acid with similar properties. This amino acid position is conserved. In addition, in silico predictors for this gene do not accurately predict pathogenicity. Based on the available evidence, the clinical significance of this variant remains unclear.

Color Diagnostics, LLC DBA Color Health
Classification: Uncertain significance for Hereditary cancer-predisposing syndrome. Last evaluated: 2024-03-07. Review status: criteria provided, single submitter. Criteria: ACMG Guidelines, 2015. Collection method: clinical testing. Allele origin: germline.
Comment: This missense variant replaces lysine with glutamic acid at codon 2186 of the APC protein. Computational prediction suggests that this variant may not impact protein structure and function (internally defined REVEL score threshold <= 0.5, PMID: 27666373). To our knowledge, functional studies have not been reported for this variant. This variant has not been reported in individuals affected with hereditary cancer in the literature. This variant has not been identified in the general population by the Genome Aggregation Database (gnomAD). The available evidence is insufficient to determine the role of this variant in disease conclusively. Therefore, this variant is classified as a Variant of Uncertain Significance.

Labcorp Genetics (formerly Invitae), Labcorp
Classification: Uncertain significance for Familial adenomatous polyposis 1. Last evaluated: 2021-03-22. Review status: criteria provided, single submitter. Criteria: Invitae Variant Classification Sherloc (09022015). Collection method: clinical testing. Allele origin: germline.
Comment: In summary, the available evidence is currently insufficient to determine the role of this variant in disease. Therefore, it has been classified as a Variant of Uncertain Significance. Algorithms developed to predict the effect of missense changes on protein structure and function (SIFT, PolyPhen-2, Align-GVGD) all suggest that this variant is likely to be disruptive, but these predictions have not been confirmed by published functional studies and their clinical significance is uncertain. This variant has not been reported in the literature in individuals with APC-related conditions. This variant is not present in population databases (ExAC no frequency). This sequence change replaces lysine with glutamic acid at codon 2186 of the APC protein (p.Lys2186Glu). The lysine residue is highly conserved and there is a small physicochemical difference between lysine and glutamic acid.